The following is an entry in ClinVar:

NM_014363.6(SACS):c.2312G>T (p.Arg771Ile)

Gene: SACS (sacsin molecular chaperone; minus strand). Cytogenetic location: 13q12.12.
Variant type: single nucleotide variant.
Coding change: c.2312G>T on transcript NM_014363.6 (MANE Select); coding-DNA position 2312, G replaced by T.
Protein change: p.Arg771Ile; replaces arginine 771 with isoleucine.
Molecular consequence: missense variant.
Genome position (GRCh38, 1-based): chr13:23,341,564, C>A on the plus strand (G>T on the coding strand, the complement: SACS is on the minus strand). VCF-style: chr13-23341564-C-A. GRCh37 (hg19) VCF-style: chr13-23915703-C-A.
Other names: c.1871G>T, p.Arg624Ile (NM_001278055.2); short protein forms R624I, R771I.
Identifiers: ClinVar variation 1476433 (VCV001476433.8), dbSNP rs2137645196, ClinGen allele CA387539460.

ClinVar aggregate classification (germline): Uncertain significance (1 of 4 stars; one submission).

Conditions:
Spastic paraplegia. Identifiers: MedGen C0037772, HP:0001258.

Submission:

Labcorp Genetics (formerly Invitae), Labcorp
Classification: Uncertain significance for Spastic paraplegia. Last evaluated: 2021-05-04. Review status: criteria provided, single submitter. Criteria: Invitae Variant Classification Sherloc (09022015). Collection method: clinical testing. Allele origin: germline.
Comment: This sequence change replaces arginine with isoleucine at codon 771 of the SACS protein (p.Arg771Ile). The arginine residue is weakly conserved and there is a moderate physicochemical difference between arginine and isoleucine. This variant is not present in population databases (ExAC no frequency). This variant has not been reported in the literature in individuals with SACS-related conditions. Advanced modeling of protein sequence and biophysical properties (such as structural, functional, and spatial information, amino acid conservation, physicochemical variation, residue mobility, and thermodynamic stability) performed at Invitae indicates that this missense variant is not expected to disrupt SACS protein function. In summary, the available evidence is currently insufficient to determine the role of this variant in disease. Therefore, it has been classified as a Variant of Uncertain Significance.